The following is an entry in ClinVar:

NM_002382.5(MAX):c.63+4C>T

Gene: MAX (MYC associated transcriptional regulator X; minus strand). Cytogenetic location: 14q23.3.
Variant type: single nucleotide variant.
Coding change: c.63+4C>T on transcript NM_002382.5 (MANE Select); 4 bases into the intron after coding-DNA position 63, C replaced by T.
Molecular consequence: intron variant.
Genome position (GRCh38, 1-based): chr14:65,101,542, G>A on the plus strand (C>T on the coding strand, the complement: MAX is on the minus strand). VCF-style: chr14-65101542-G-A. GRCh37 (hg19) VCF-style: chr14-65568260-G-A.
Other names: c.36+762C>T (NM_001271069.2, NM_001407095.1, NM_001407110.1 and 9 more transcripts); c.63+4C>T (NM_197957.4, NM_001407094.1, NM_001407104.1 and 6 more transcripts); c.-305+967C>T (NM_001407112.1); c.-212+4C>T (NM_001407106.1, NM_001320415.2, NM_001407105.1); c.-212+762C>T (NM_001407107.1); c.-305+4C>T (NM_001407111.1); c.86+4C>T (NM_001407114.1).
Identifiers: ClinVar variation 3293481 (VCV003293481.2).

ClinVar aggregate classification (germline): Uncertain significance. Review status: criteria provided, multiple submitters, no conflicts (2 of 4 stars). 2 submissions from 2 submitters: Uncertain significance (2). Last evaluated 2025-04-30.

Conditions:
Hereditary cancer-predisposing syndrome. Also called: Neoplastic Syndromes, Hereditary; Tumor predisposition; Hereditary Cancer Syndrome; Hereditary neoplastic syndrome. Identifiers: Orphanet 140162, MedGen C0027672, MeSH D009386, MONDO:0015356.
Hereditary pheochromocytoma and paraganglioma. Also called: Hereditary paragangliomas and pheochromocytomas; Hereditary Paraganglioma-Pheochromocytoma Syndromes; Hereditary pheochromocytoma-paraganglioma. Identifiers: Orphanet 29072, MedGen C4274332, MONDO:0017366.

gnomAD v4.1: 3 of 1,608,782 alleles (0.00019%); highest among the groups gnomAD compares: Non-Finnish European, 0.00026%; no homozygotes.

Submissions (2):

Labcorp Genetics (formerly Invitae), Labcorp
Classification: Uncertain significance for Hereditary pheochromocytoma and paraganglioma. Last evaluated: 2025-04-30. Review status: criteria provided, single submitter. Criteria: Invitae Variant Classification Sherloc (09022015). Collection method: clinical testing. Allele origin: germline.
Comment: This sequence change falls in intron 2 of the MAX gene. It does not directly change the encoded amino acid sequence of the MAX protein. It affects a nucleotide within the consensus splice site. This variant is not present in population databases (gnomAD no frequency). This variant has not been reported in the literature in individuals affected with MAX-related conditions. ClinVar contains an entry for this variant (Variation ID: 3293481). Variants that disrupt the consensus splice site are a relatively common cause of aberrant splicing (PMID: 17576681, 9536098). Algorithms developed to predict the effect of sequence changes on RNA splicing suggest that this variant is not likely to affect RNA splicing. In summary, the available evidence is currently insufficient to determine the role of this variant in disease. Therefore, it has been classified as a Variant of Uncertain Significance.

Ambry Genetics
Classification: Uncertain significance for Hereditary cancer-predisposing syndrome. Last evaluated: 2024-05-21. Review status: criteria provided, single submitter. Criteria: Ambry Variant Classification Scheme 2023. Collection method: clinical testing. Allele origin: germline.
Comment: The c.63+4C>T intronic variant results from a C to T substitution 4 nucleotides after coding exon 2 in the MAX gene. This nucleotide position is highly conserved in available vertebrate species. In silico splice site analysis predicts that this alteration will not have any significant effect on splicing. Based on the available evidence, the clinical significance of this variant remains unclear.

Literature cited by the submitters: PubMed 17576681 (cited by Labcorp Genetics (formerly Invitae), Labcorp); PubMed 9536098 (cited by Labcorp Genetics (formerly Invitae), Labcorp).